The following is an entry in ClinVar:

NM_001365088.1(SLC12A6):c.256C>T (p.Gln86Ter)

Gene: SLC12A6 (solute carrier family 12 member 6; minus strand). Cytogenetic location: 15q14.
Variant type: single nucleotide variant.
Coding change: c.256C>T on transcript NM_001365088.1 (MANE Select); coding-DNA position 256, C replaced by T.
Protein change: p.Gln86Ter; replaces glutamine 86 with a stop codon.
Molecular consequence: nonsense.
Genome position (GRCh38, 1-based): chr15:34,336,425, G>A on the plus strand (C>T on the coding strand, the complement: SLC12A6 is on the minus strand). VCF-style: chr15-34336425-G-A. GRCh37 (hg19) VCF-style: chr15-34628626-G-A.
Other names: c.79C>T, p.Gln27Ter (NM_001042494.2, NM_001042495.2); c.229C>T, p.Gln77Ter (NM_001042496.2); c.256C>T, p.Gln86Ter (NM_001042497.2, NM_133647.2); short protein forms Q27*, Q77*, Q86*.
Identifiers: ClinVar variation 2767453 (VCV002767453.3), dbSNP rs2510085296, ClinGen allele CA391621381.
Genomic context (GRCh38, chr15:34,336,425, plus strand): 5'-AGAACCCAGTAATGAAAGTATGCTGCGGTCTGTGTTTCTACTTACCCTCGATGACATCCT[G>A]GGGGTGAGAAGTCCGGTCACTGGGTGGATCCAGTGCAACAGTTGCCAGCGAAGTGGTGGC-3'

ClinVar aggregate classification (germline): Pathogenic (1 of 4 stars; one submission).

Submission:

Labcorp Genetics (formerly Invitae), Labcorp
Classification: Pathogenic. Last evaluated: 2023-10-10. Review status: criteria provided, single submitter. Criteria: Invitae Variant Classification Sherloc (09022015). Collection method: clinical testing. Allele origin: germline.
Comment: This sequence change creates a premature translational stop signal (p.Gln86*) in the SLC12A6 gene. It is expected to result in an absent or disrupted protein product. Loss-of-function variants in SLC12A6 are known to be pathogenic (PMID: 12368912, 16606917). This variant is not present in population databases (gnomAD no frequency). This variant has not been reported in the literature in individuals affected with SLC12A6-related conditions. For these reasons, this variant has been classified as Pathogenic.

Literature cited by the submitters: PubMed 12368912; PubMed 16606917.